The following is an entry in ClinVar:

NM_022124.6(CDH23):c.5820+5G>A

Gene: CDH23 (cadherin related 23; plus strand). Cytogenetic location: 10q22.1.
Variant type: single nucleotide variant.
Coding change: c.5820+5G>A on transcript NM_022124.6 (MANE Select); 5 bases into the intron after coding-DNA position 5820, G replaced by A.
Molecular consequence: intron variant.
Genome position (GRCh38, 1-based): chr10:71,785,743, G>A. VCF-style: chr10-71785743-G-A. GRCh37 (hg19) VCF-style: chr10-73545500-G-A.
Identifiers: ClinVar variation 1701138 (VCV001701138.36), dbSNP rs2132940635, ClinGen allele CA2580082144.

ClinVar aggregate classification (germline): Conflicting classifications of pathogenicity. Review status: criteria provided, conflicting classifications (1 of 4 stars). 3 submissions from 3 submitters: Likely pathogenic (2); Uncertain significance (1). Last evaluated 2024-11-18.

Conditions:
Pituitary adenoma 5, multiple types. Identifiers: MedGen C4539685, MONDO:0054601, OMIM 617540.

gnomAD v4.1: 1 of 1,565,024 alleles (0.000064%); highest among the groups gnomAD compares: Non-Finnish European, 0.000088%; no homozygotes.

Submissions (3):

Labcorp Genetics (formerly Invitae), Labcorp
Classification: Uncertain significance. Last evaluated: 2024-11-18. Review status: criteria provided, single submitter. Criteria: Invitae Variant Classification Sherloc (09022015). Collection method: clinical testing. Allele origin: germline.
Comment: This sequence change falls in intron 44 of the CDH23 gene. It does not directly change the encoded amino acid sequence of the CDH23 protein. It affects a nucleotide within the consensus splice site. This variant is not present in population databases (gnomAD no frequency). This variant has not been reported in the literature in individuals affected with CDH23-related conditions. ClinVar contains an entry for this variant (Variation ID: 1701138). Variants that disrupt the consensus splice site are a relatively common cause of aberrant splicing (PMID: 17576681, 9536098). Algorithms developed to predict the effect of sequence changes on RNA splicing suggest that this variant may disrupt the consensus splice site. In summary, the available evidence is currently insufficient to determine the role of this variant in disease. Therefore, it has been classified as a Variant of Uncertain Significance.

Baylor Genetics
Classification: Likely pathogenic for Pituitary adenoma 5, multiple types. Last evaluated: 2022-07-06. Review status: criteria provided, single submitter. Criteria: ACMG Guidelines, 2015. Collection method: clinical testing. Allele origin: unknown.

CeGaT Center for Human Genetics Tuebingen
Classification: Likely pathogenic. Last evaluated: 2022-07-01. Review status: criteria provided, single submitter. Criteria: CeGaT Center For Human Genetics Tuebingen Variant Classification Criteria Version 2. Collection method: clinical testing. Allele origin: germline. Affected: yes. Observed: 1 variant allele.
Comment: CDH23: PM2, PM3, PP3, PP4

Literature cited by the submitters: PubMed 17576681 (cited by Labcorp Genetics (formerly Invitae), Labcorp); PubMed 9536098 (cited by Labcorp Genetics (formerly Invitae), Labcorp).